The following is an entry in ClinVar:

ClinVar aggregate classification (germline): Likely pathogenic (1 of 4 stars; one submission).

Submission:

Labcorp Genetics (formerly Invitae), Labcorp
Classification: Likely pathogenic. Last evaluated: 2025-11-22. Review status: criteria provided, single submitter. Criteria: Invitae Variant Classification Sherloc (09022015). Collection method: clinical testing. Allele origin: germline.
Comment: This sequence change replaces glycine, which is neutral and non-polar, with valine, which is neutral and non-polar, at codon 1238 of the COL4A5 protein (p.Gly1238Val). This variant is not present in population databases (gnomAD no frequency). This variant has not been reported in the literature in individuals affected with COL4A5-related conditions. Invitae Evidence Modeling of protein sequence and biophysical properties (such as structural, functional, and spatial information, amino acid conservation, physicochemical variation, residue mobility, and thermodynamic stability) indicates that this missense variant is expected to disrupt COL4A5 protein function with a positive predictive value of 95%. This variant disrupts the triple helix domain of COL4A5. Glycine residues within the Gly-Xaa-Yaa repeats of the triple helix domain are required for the structure and stability of fibrillar collagens (PMID: 7695699, 8218237, 19344236). In COL4A5, missense variants at these glycine residues are significantly enriched in individuals with disease (PMID: 23720012, 27627812) compared to the general population (ExAC). In summary, the currently available evidence indicates that the variant is pathogenic, but additional data are needed to prove that conclusively. Therefore, this variant has been classified as Likely Pathogenic.

Literature cited by the submitters: PubMed 7695699; PubMed 8218237; PubMed 19344236; PubMed 23720012; PubMed 27627812.

NM_033380.3(COL4A5):c.3713G>T (p.Gly1238Val)

Gene: COL4A5 (collagen type IV alpha 5 chain; plus strand). Cytogenetic location: Xq22.3.
Variant type: single nucleotide variant.
Coding change: c.3713G>T on transcript NM_033380.3 (MANE Select); coding-DNA position 3713, G replaced by T.
Protein change: p.Gly1238Val; replaces glycine 1238 with valine.
Molecular consequence: missense variant.
Genome position (GRCh38, 1-based): chrX:108,668,427, G>T. VCF-style: chrX-108668427-G-T. GRCh37 (hg19) VCF-style: chrX-107911657-G-T.
Other names: c.3713G>T, p.Gly1238Val (NM_000495.5); short protein forms G1238V.
Identifiers: ClinVar variation 4802189 (VCV004802189.1).